The following is an entry in ClinVar:

NM_001458.5(FLNC):c.1128C>A (p.Asn376Lys)

Gene: FLNC (filamin C; plus strand). Cytogenetic location: 7q32.1.
Variant type: single nucleotide variant.
Coding change: c.1128C>A on transcript NM_001458.5 (MANE Select); coding-DNA position 1128, C replaced by A.
Protein change: p.Asn376Lys; replaces asparagine 376 with lysine.
Molecular consequence: missense variant.
Genome position (GRCh38, 1-based): chr7:128,838,347, C>A. VCF-style: chr7-128838347-C-A. GRCh37 (hg19) VCF-style: chr7-128478401-C-A.
Other names: c.1128C>A, p.Asn376Lys (NM_001127487.2); short protein forms N376K.
Identifiers: ClinVar variation 539345 (VCV000539345.13), dbSNP rs773165378, ClinGen allele CA4474241.
Genomic context (GRCh38, chr7:128,838,347, plus strand): 5'-CCAGAACATTGAACGCAGTCCCTTTGAGGTGAACGTGGGCATGGCCCTGGGAGATGCCAA[C>A]AAGGTGTCAGCCCGTGGCCCTGGCCTGGAACCTGTGGGCAATGTGGCCAACAAACCCACC-3'
Protein context (NP_001449.3, residues 366-386): VNVGMALGDA[Asn376Lys]KVSARGPGLE

ClinVar aggregate classification (germline): Conflicting classifications of pathogenicity. Review status: criteria provided, conflicting classifications (1 of 4 stars). 2 submissions from 2 submitters: Uncertain significance (1); Likely benign (1). Last evaluated 2025-08-27.

Conditions:
Cardiovascular phenotype. Identifiers: MedGen CN230736.
Distal myopathy with posterior leg and anterior hand involvement. Also called: WILLIAMS DISTAL MYOPATHY. Identifiers: Orphanet 63273, MedGen C3279722, MONDO:0013550, OMIM 614065.
Myofibrillar myopathy 5. Also called: Filaminopathy (type); FILAMINOPATHY, AUTOSOMAL DOMINANT. Identifiers: Orphanet 171445, MedGen C1836050, MONDO:0012289, OMIM 609524.
Hypertrophic cardiomyopathy 26. Also called: Cardiomyopathy, familial hypertrophic, 26. Identifiers: Orphanet 75249, MedGen C4310749, MONDO:0014883, OMIM 617047.

Allele frequency attached by ClinVar (database versions not stated): gnomAD 0.00001; gnomAD exomes 0.00001; TOPMed 0.00001; ExAC 0.00002.
gnomAD v4.1: 11 of 1,613,976 alleles (0.00068%); highest among the groups gnomAD compares: East Asian, 0.0067%; no homozygotes.

Submissions (2):

Labcorp Genetics (formerly Invitae), Labcorp
Classification: Likely benign for Distal myopathy with posterior leg and anterior hand involvement; Myofibrillar myopathy 5; Hypertrophic cardiomyopathy 26. Last evaluated: 2025-08-27. Review status: criteria provided, single submitter. Criteria: Invitae Variant Classification Sherloc (09022015). Collection method: clinical testing. Allele origin: germline.

Ambry Genetics
Classification: Uncertain significance for Cardiovascular phenotype. Last evaluated: 2023-12-25. Review status: criteria provided, single submitter. Criteria: Ambry Variant Classification Scheme 2023. Collection method: clinical testing. Allele origin: germline.
Comment: The p.N376K variant (also known as c.1128C>A), located in coding exon 7 of the FLNC gene, results from a C to A substitution at nucleotide position 1128. The asparagine at codon 376 is replaced by lysine, an amino acid with similar properties. This amino acid position is conserved. In addition, this alteration is predicted to be tolerated by in silico analysis. Since supporting evidence is limited at this time, the clinical significance of this alteration remains unclear.